The following is an entry in ClinVar:

NM_014845.6(FIG4):c.2559_2560delinsAT (p.Ala854Ser)

Gene: FIG4 (FIG4 phosphoinositide 5-phosphatase; plus strand). Cytogenetic location: 6q21.
Variant type: Indel.
Coding change: c.2559_2560delinsAT on transcript NM_014845.6 (MANE Select); coding-DNA positions 2559 to 2560, GG replaced by AT.
Protein change: p.Ala854Ser; replaces alanine 854 with serine.
Molecular consequence: missense variant.
Genome position (GRCh38, 1-based): chr6:109,825,100-109,825,101, GG replaced by AT. VCF-style: chr6-109825100-GG-AT. GRCh37 (hg19) VCF-style: chr6-110146303-GG-AT.
Other names: short protein forms A854S.
Identifiers: ClinVar variation 1510916 (VCV001510916.6), dbSNP rs2128402653, ClinGen allele CA2573140368.

ClinVar aggregate classification (germline): Uncertain significance (1 of 4 stars; one submission).

Conditions:
Charcot-Marie-Tooth disease type 4. Also called: Charcot-Marie-Tooth disease, type IV; Charcot-Marie-Tooth, Type 4. Identifiers: Orphanet 64749, MedGen C4082197, MONDO:0018995.

Submission:

Labcorp Genetics (formerly Invitae), Labcorp
Classification: Uncertain significance for Charcot-Marie-Tooth disease type 4. Last evaluated: 2021-06-17. Review status: criteria provided, single submitter. Criteria: Invitae Variant Classification Sherloc (09022015). Collection method: clinical testing. Allele origin: germline.
Comment: In summary, the available evidence is currently insufficient to determine the role of this variant in disease. Therefore, it has been classified as a Variant of Uncertain Significance. Experimental studies and prediction algorithms are not available or were not evaluated, and the functional significance of this variant is currently unknown. This variant has not been reported in the literature in individuals with FIG4-related conditions. The frequency data for this variant in the population databases is not available, as this variant may be reported as separate entries in the ExAC database. This sequence change replaces alanine with serine at codon 854 of the FIG4 protein (p.Ala854Ser). The alanine residue is moderately conserved and there is a moderate physicochemical difference between alanine and serine.